The following is an entry in ClinVar:

ClinVar aggregate classification (germline): Benign. Review status: criteria provided, multiple submitters, no conflicts (2 of 4 stars). 6 submissions from 6 submitters: Benign (6). Last evaluated 2026-02-04.

Allele frequency attached by ClinVar (database versions not stated): gnomAD exomes 0.43733 and 0.49888; ESP Exome Variant Server 0.45970; gnomAD 0.47742 and 0.48404; ExAC 0.49306; TOPMed 0.50705; 1000 Genomes Project 30x 0.59275; 1000 Genomes Project 0.59465.
gnomAD v4.1: 713,852 of 1,612,384 alleles (44%); highest among the groups gnomAD compares: East Asian, 82%; 165,578 homozygotes.

Submissions (6):

Labcorp Genetics (formerly Invitae), Labcorp
Classification: Benign. Last evaluated: 2026-02-04. Review status: criteria provided, single submitter. Criteria: Invitae Variant Classification Sherloc (09022015). Collection method: clinical testing. Allele origin: germline.

Women's Health and Genetics/Laboratory Corporation of America, LabCorp
Classification: Benign. Last evaluated: 2026-01-21. Review status: criteria provided, single submitter. Criteria: LabCorp Variant Classification Summary - May 2015. Collection method: clinical testing. Allele origin: germline.

Blueprint Genetics
Classification: Benign. Last evaluated: 2024-11-28. Review status: criteria provided, single submitter. Criteria: ACMG Guidelines, 2015. Collection method: clinical testing. Allele origin: germline.

Unidad de Genómica Garrahan, Hospital de Pediatría Garrahan
Classification: Benign. Last evaluated: 2024-01-24. Review status: criteria provided, single submitter. Criteria: ACMG Guidelines, 2015. Collection method: clinical testing. Allele origin: germline. Affected: no. Observed: 72 variant alleles.
Comment: This variant is classified as Benign based on local population frequency. This variant was detected in 76% of patients studied by a panel of primary immunodeficiencies. Number of patients: 72. Only high quality variants are reported.

Mayo Clinic Laboratories, Mayo Clinic
Classification: Benign. Last evaluated: 2022-09-06. Review status: criteria provided, single submitter. Criteria: ACMG Guidelines, 2015. Collection method: clinical testing. Allele origin: germline. Observed: 63 variant alleles.

Breakthrough Genomics
Classification: Benign. Review status: criteria provided, single submitter. Criteria: ACMG Guidelines, 2015. Collection method: not provided. Allele origin: germline. Inheritance: Autosomal recessive inheritance. Affected: yes.

NM_015122.3(FCHO1):c.903A>G (p.Pro301=)

Gene: FCHO1 (FCH and mu domain containing endocytic adaptor 1; plus strand). Cytogenetic location: 19p13.11.
Variant type: single nucleotide variant.
Coding change: c.903A>G on transcript NM_015122.3 (MANE Select); coding-DNA position 903, A replaced by G.
Protein change: p.Pro301=; no amino-acid change (proline 301 retained).
Molecular consequence: synonymous variant. On other transcripts: non-coding transcript variant (36).
Genome position (GRCh38, 1-based): chr19:17,774,461, A>G. VCF-style: chr19-17774461-A-G. GRCh37 (hg19) VCF-style: chr19-17885270-A-G.
Other names: p.Pro301=; c.903A>G, p.Pro301= (NM_001161357.2, NM_001161358.2, NM_001384370.1 and 25 more transcripts); c.753A>G, p.Pro251= (NM_001161359.2, NM_001384384.1, NM_001384385.1 and 3 more transcripts); c.864A>G, p.Pro288= (NM_001384388.1, NM_001384389.1, NM_001384405.1); c.828A>G, p.Pro276= (NM_001384390.1); c.858A>G, p.Pro286= (NM_001384403.1).
Identifiers: ClinVar variation 1165585 (VCV001165585.15), dbSNP rs2287859, ClinGen allele CA9300285.